The following is an entry in ClinVar:

NM_006096.4(NDRG1):c.758G>A (p.Cys253Tyr)

Genes: NDRG1 (N-myc downstream regulated 1; minus strand), LOC126860531 (CDK7 strongly-dependent group 2 enhancer GRCh37_chr8:134259869-134261068; plus strand). Cytogenetic location: 8q24.22.
Variant type: single nucleotide variant.
Coding change: c.758G>A on transcript NM_006096.4 (MANE Select); coding-DNA position 758, G replaced by A.
Protein change: p.Cys253Tyr; replaces cysteine 253 with tyrosine.
Molecular consequence: missense variant.
Genome position (GRCh38, 1-based): chr8:133,247,924, C>T on the plus strand (G>A on the coding strand, the complement: NDRG1 is on the minus strand). VCF-style: chr8-133247924-C-T. GRCh37 (hg19) VCF-style: chr8-134260167-C-T.
Other names: c.758G>A, p.Cys253Tyr (NM_001135242.2, NM_001374845.1, NM_001374846.1); c.560G>A, p.Cys187Tyr (NM_001258432.2, NM_001374847.1); c.515G>A, p.Cys172Tyr (NM_001258433.2); c.809G>A, p.Cys270Tyr (NM_001374844.1); short protein forms C187Y, C172Y, C253Y, C270Y.
Identifiers: ClinVar variation 946168 (VCV000946168.10), dbSNP rs1855781697, ClinGen allele CA372255119.
Genomic context (GRCh38, chr8:133,247,924, plus strand): 5'-TTTCTACATACCACGGCATCCACTGCAGGCGAGCTGTCCCCAACCACCAACAGAGCAGGG[C>T]ACCTGGGGTCAGGGATAGAGCAGAGAATTAGCACAAGGTTCCTTTAAAGATTGTCCCACT-3'
Protein context (NP_006087.2, residues 243-263): MPGTHTVTLQ[Cys253Tyr]PALLVVGDSS

ClinVar aggregate classification (germline): Uncertain significance (1 of 4 stars; one submission).

Conditions:
Charcot-Marie-Tooth disease type 4. Also called: Charcot-Marie-Tooth disease, type IV; Charcot-Marie-Tooth, Type 4. Identifiers: Orphanet 64749, MedGen C4082197, MONDO:0018995.

Submission:

Labcorp Genetics (formerly Invitae), Labcorp
Classification: Uncertain significance for Charcot-Marie-Tooth disease type 4. Last evaluated: 2019-05-10. Review status: criteria provided, single submitter. Criteria: Invitae Variant Classification Sherloc (09022015). Collection method: clinical testing. Allele origin: germline.
Comment: This sequence change replaces cysteine with tyrosine at codon 253 of the NDRG1 protein (p.Cys253Tyr). The cysteine residue is moderately conserved and there is a large physicochemical difference between cysteine and tyrosine. This variant is not present in population databases (ExAC no frequency). This variant has not been reported in the literature in individuals with NDRG1-related conditions. Algorithms developed to predict the effect of missense changes on protein structure and function are either unavailable or do not agree on the potential impact of this missense change (SIFT: "Tolerated"; PolyPhen-2: "Probably Damaging"; Align-GVGD: "Class C0"). In summary, the available evidence is currently insufficient to determine the role of this variant in disease. Therefore, it has been classified as a Variant of Uncertain Significance.